The following is an entry in ClinVar:

NM_033028.5(BBS4):c.917T>A (p.Ile306Asn)

Gene: BBS4 (Bardet-Biedl syndrome 4; plus strand). Cytogenetic location: 15q24.1.
Variant type: single nucleotide variant.
Coding change: c.917T>A on transcript NM_033028.5 (MANE Select); coding-DNA position 917, T replaced by A.
Protein change: p.Ile306Asn; replaces isoleucine 306 with asparagine.
Molecular consequence: missense variant. On other transcripts: non-coding transcript variant (2).
Genome position (GRCh38, 1-based): chr15:72,731,607, T>A. VCF-style: chr15-72731607-T-A. GRCh37 (hg19) VCF-style: chr15-73023948-T-A.
Other names: c.917T>A (NM_033028.3); c.401T>A, p.Ile134Asn (NM_001252678.2); c.848T>A, p.Ile283Asn (NM_001320665.2); short protein forms I134N, I283N, I306N.
Identifiers: ClinVar variation 3348703 (VCV003348703.2).

ClinVar aggregate classification (germline): Uncertain significance. Review status: criteria provided, single submitter (1 of 4 stars). 2 submissions from 2 submitters: Uncertain significance (1). 1 of the submissions does not count toward it. Last evaluated 2025-12-09.

Conditions:
BBS4-related disorder. Also called: BBS4-related condition.
Inborn genetic diseases. Identifiers: MedGen C0950123, MeSH D030342.

Submissions (2):

Ambry Genetics
Classification: Uncertain significance for Inborn genetic diseases. Last evaluated: 2025-12-09. Review status: criteria provided, single submitter. Criteria: Ambry Variant Classification Scheme 2023. Collection method: clinical testing. Allele origin: germline.

PreventionGenetics, part of Exact Sciences
Classification: Uncertain significance for BBS4-related condition. Last evaluated: 2024-01-31. Review status: no assertion criteria provided. Collection method: clinical testing. Allele origin: germline. Not counted in ClinVar's aggregate classification.
Comment: The BBS4 c.917T>A variant is predicted to result in the amino acid substitution p.Ile306Asn. To our knowledge, this variant has not been reported in the literature or in a large population database, indicating this variant is rare. At this time, the clinical significance of this variant is uncertain due to the absence of conclusive functional and genetic evidence.